The following is an entry in ClinVar:

ClinVar aggregate classification (germline): Pathogenic. Review status: reviewed by expert panel (3 of 4 stars). 2 submissions from 2 submitters: Pathogenic (1). 1 of the submissions does not count toward it. Last evaluated 2025-11-19.

Conditions:
CYP1B1-related glaucoma with or without anterior segment dysgenesis. Identifiers: MedGen CN375931, MONDO:0800472.
Primary congenital glaucoma. Also called: Primary congenital glaucoma (disease). Identifiers: MedGen C1533041, MONDO:0000365, HP:0008007.

Submissions (2):

ClinGen Glaucoma Variant Curation Expert Panel
Classification: Pathogenic for CYP1B1-related glaucoma with or without anterior segment dysgenesis. Last evaluated: 2025-11-19. Review status: reviewed by expert panel. Criteria: ClinGen CYP1B1 ACMG Specifications V1 Approved. Collection method: curation. Allele origin: germline. Inheritance: Autosomal recessive inheritance.
Comment: The c.1568G>C variant in CYP1B1 is a missense variant predicted to cause substitution of Arginine by Threonine at amino acid 523 (p.Arg523Thr). This variant was not found in any genetic ancestry group of gnomAD (v4.1.0), meeting the ≤ 0.0005 threshold set for PM2_Supporting in a genetic ancestry group of at least 2,000 alleles. The REVEL score = 0.968, which met the ≥ 0.932 threshold for PP3_Strong, predicting a damaging effect on CYP1B1 function. PS3_Supporting was not applied as the assays reported did not meet the OddsPath threshold (> 2.1) (PMIDs: 23028769, 27243976) or the threshold for abnormal impact on protein function in the assay could not be determined (PMID: 27243976). 3 affected segregations with a CYP1B1-related phenotype have been reported (PMID: 16688110), which fulfilled PP1_Strong. This variant has been identified in an individual with a CYP1B1-related phenotype. Total proband points = 0.5, meeting PM3_Supporting. In summary, this variant met the criteria to receive a score of 10 and to be classified as pathogenic (pathogenic classification ≥ 10, adapted from PMID: 32720330) for CYP1B1-related glaucoma with or without anterior segment dysgenesis (ASD) based on the ACMG/AMP criteria met, as specified by the ClinGen Glaucoma VCEP (v1.0, 06.11.2025): PP1_Strong, PP3_Strong, PM2_Supporting, PM3_Supporting

Women's Health and Genetics/Laboratory Corporation of America, LabCorp
Classification: Likely pathogenic for Primary congenital glaucoma. Last evaluated: 2025-11-13. Review status: criteria provided, single submitter. Criteria: LabCorp Variant Classification Summary - May 2015. Collection method: clinical testing. Allele origin: germline. Not counted in ClinVar's aggregate classification.
Comment: Variant summary: CYP1B1 c.1568G>C (p.Arg523Thr) results in a non-conservative amino acid change in the encoded protein sequence. Algorithms developed to predict the effect of missense changes on protein structure and function all suggest that this variant is likely to be disruptive. The variant was absent in 251458 control chromosomes. c.1568G>C has been observed in a homozygous individual affected with Primary Congenital Glaucoma (Acharya_2006). These data indicate that the variant may be associated with disease. Two publications report experimental evidence evaluating an impact on protein function. Both studies showed that the variant consistently results in <10% of normal activity in in vitro assays (Mookherjee_2012, Banerjee_2016). The following publications have been ascertained in the context of this evaluation (PMID: 16688110, 27243976, 23028769). No submitters have cited clinical-significance assessments for this variant to ClinVar. Based on the evidence outlined above, the variant was classified as likely pathogenic.

Literature cited by the submitters: PubMed 27243976 (cited by Women's Health and Genetics/Laboratory Corporation of America, LabCorp); PubMed 23028769 (cited by Women's Health and Genetics/Laboratory Corporation of America, LabCorp); PubMed 16688110 (cited by Women's Health and Genetics/Laboratory Corporation of America, LabCorp).

NM_000104.4(CYP1B1):c.1568G>C (p.Arg523Thr)

Gene: CYP1B1 (cytochrome P450 family 1 subfamily B member 1; minus strand). Cytogenetic location: 2p22.2.
Variant type: single nucleotide variant.
Coding change: c.1568G>C on transcript NM_000104.4 (MANE Select); coding-DNA position 1568, G replaced by C.
Protein change: p.Arg523Thr; replaces arginine 523 with threonine.
Molecular consequence: missense variant.
Genome position (GRCh38, 1-based): chr2:38,070,786, C>G on the plus strand (G>C on the coding strand, the complement: CYP1B1 is on the minus strand). VCF-style: chr2-38070786-C-G. GRCh37 (hg19) VCF-style: chr2-38297929-C-G.
Other names: NM_000104.4:c.1568G>C; short protein forms R523T.
Identifiers: ClinVar variation 4530672 (VCV004530672.2).